The following is an entry in ClinVar:

NM_020937.4(FANCM):c.424C>A (p.Pro142Thr)

Gene: FANCM (FA complementation group M; plus strand). Cytogenetic location: 14q21.2.
Variant type: single nucleotide variant.
Coding change: c.424C>A on transcript NM_020937.4 (MANE Select); coding-DNA position 424, C replaced by A.
Protein change: p.Pro142Thr; replaces proline 142 with threonine.
Molecular consequence: missense variant.
Genome position (GRCh38, 1-based): chr14:45,136,455, C>A. VCF-style: chr14-45136455-C-A. GRCh37 (hg19) VCF-style: chr14-45605658-C-A.
Other names: c.424C>A, p.Pro142Thr (NM_001308133.2, NM_001308134.2); short protein forms P142T.
Identifiers: ClinVar variation 2421014 (VCV002421014.6), dbSNP rs771875070, ClinGen allele CA389588208.

ClinVar aggregate classification (germline): Uncertain significance. Review status: criteria provided, multiple submitters, no conflicts (2 of 4 stars). 2 submissions from 2 submitters: Uncertain significance (2). Last evaluated 2022-10-26.

Conditions:
Fanconi anemia (FA). Also called: Fanconi's anemia. Identifiers: Orphanet 84, MedGen C0015625, MeSH D005199, MONDO:0019391.

Submissions (2):

GeneDx
Classification: Uncertain significance. Last evaluated: 2022-10-26. Review status: criteria provided, single submitter. Criteria: GeneDx Variant Classification Process June 2021. Collection method: clinical testing. Allele origin: germline. Affected: yes.
Comment: Not observed at significant frequency in large population cohorts (gnomAD); In silico analysis supports that this missense variant has a deleterious effect on protein structure/function; Has not been previously published as pathogenic or benign to our knowledge

Labcorp Genetics (formerly Invitae), Labcorp
Classification: Uncertain significance for Fanconi anemia. Last evaluated: 2022-02-08. Review status: criteria provided, single submitter. Criteria: Invitae Variant Classification Sherloc (09022015). Collection method: clinical testing. Allele origin: germline.
Comment: This sequence change replaces proline, which is neutral and non-polar, with threonine, which is neutral and polar, at codon 142 of the FANCM protein (p.Pro142Thr). This variant is not present in population databases (gnomAD no frequency). This variant has not been reported in the literature in individuals affected with FANCM-related conditions. Algorithms developed to predict the effect of missense changes on protein structure and function are either unavailable or do not agree on the potential impact of this missense change (SIFT: "Deleterious"; PolyPhen-2: "Probably Damaging"; Align-GVGD: "Class C0"). In summary, the available evidence is currently insufficient to determine the role of this variant in disease. Therefore, it has been classified as a Variant of Uncertain Significance.